The following is an entry in ClinVar:

NM_153026.3(PRICKLE1):c.101C>T (p.Ala34Val)

Gene: PRICKLE1 (prickle planar cell polarity protein 1; minus strand). Cytogenetic location: 12q12.
Variant type: single nucleotide variant.
Coding change: c.101C>T on transcript NM_153026.3 (MANE Select); coding-DNA position 101, C replaced by T.
Protein change: p.Ala34Val; replaces alanine 34 with valine.
Molecular consequence: missense variant.
Genome position (GRCh38, 1-based): chr12:42,472,416, G>A on the plus strand (C>T on the coding strand, the complement: PRICKLE1 is on the minus strand). VCF-style: chr12-42472416-G-A. GRCh37 (hg19) VCF-style: chr12-42866218-G-A.
Other names: c.101C>T, p.Ala34Val (NM_001144881.2, NM_001144882.2, NM_001144883.2); short protein forms A34V.
Identifiers: ClinVar variation 424393 (VCV000424393.6), dbSNP rs139176541, ClinGen allele CA16619522.

ClinVar aggregate classification (germline): Uncertain significance. Review status: criteria provided, multiple submitters, no conflicts (2 of 4 stars). 2 submissions from 2 submitters: Uncertain significance (2). Last evaluated 2022-05-31.

Conditions:
Epilepsy, progressive myoclonic, 1B. Also called: PME. Identifiers: Orphanet 308, MedGen C2676254, MONDO:0012904, OMIM 612437.

Allele frequency attached by ClinVar (database versions not stated): ESP Exome Variant Server 0.00008; TOPMed below 0.00001; gnomAD exomes below 0.00001.
gnomAD v4.1: 6 of 1,614,150 alleles (0.00037%); highest among the groups gnomAD compares: Non-Finnish European, 0.00051%; no homozygotes.

Submissions (2):

Labcorp Genetics (formerly Invitae), Labcorp
Classification: Uncertain significance for Epilepsy, progressive myoclonic, 1B. Last evaluated: 2022-05-31. Review status: criteria provided, single submitter. Criteria: Invitae Variant Classification Sherloc (09022015). Collection method: clinical testing. Allele origin: germline.
Comment: This sequence change replaces alanine, which is neutral and non-polar, with valine, which is neutral and non-polar, at codon 34 of the PRICKLE1 protein (p.Ala34Val). This variant is not present in population databases (gnomAD no frequency). This variant has not been reported in the literature in individuals affected with PRICKLE1-related conditions. ClinVar contains an entry for this variant (Variation ID: 424393). Algorithms developed to predict the effect of missense changes on protein structure and function are either unavailable or do not agree on the potential impact of this missense change (SIFT: "Deleterious"; PolyPhen-2: "Possibly Damaging"; Align-GVGD: "Class C0"). In summary, the available evidence is currently insufficient to determine the role of this variant in disease. Therefore, it has been classified as a Variant of Uncertain Significance.

GeneDx
Classification: Uncertain significance. Last evaluated: 2017-09-28. Review status: criteria provided, single submitter. Criteria: GeneDx Variant Classification (06012015). Collection method: clinical testing. Allele origin: germline. Affected: yes.
Comment: A variant of uncertain significance has been identified in the PRICKLE1 gene. The A34V variant has not been published as a pathogenic variant, nor has it been reported as a benign variant to our knowledge. The A34V variant is not observed in large population cohorts (Lek et al., 2016; 1000 Genomes Consortium et al., 2015; Exome Variant Server). This substitution occurs at a position that is conserved in mammals and in silico analysis predicts this variant is probably damaging to the protein structure/function. However, the A34V variant is a conservative amino acid substitution, which is not likely to impact secondary protein structure as these residues share similar properties.Therefore, based on the currently available information, it is unclear whether this variant is a pathogenic variant or a rare benign variant.